The following is an entry in ClinVar:

NM_012203.2(GRHPR):c.512G>A (p.Arg171His)

Gene: GRHPR (glyoxylate and hydroxypyruvate reductase; plus strand). Cytogenetic location: 9p13.2.
Variant type: single nucleotide variant.
Coding change: c.512G>A on transcript NM_012203.2 (MANE Select); coding-DNA position 512, G replaced by A.
Protein change: p.Arg171His; replaces arginine 171 with histidine.
Molecular consequence: missense variant.
Genome position (GRCh38, 1-based): chr9:37,429,750, G>A. VCF-style: chr9-37429750-G-A. GRCh37 (hg19) VCF-style: chr9-37429747-G-A.
Other names: short protein forms R171H.
Identifiers: ClinVar variation 366856 (VCV000366856.26), dbSNP rs200106110, ClinGen allele CA5059135.

ClinVar aggregate classification (germline): Benign/Likely benign. Review status: criteria provided, multiple submitters, no conflicts (2 of 4 stars). 8 submissions from 8 submitters: Benign (1); Likely benign (4). 3 of the submissions do not count toward it. Last evaluated 2026-01-14.

Conditions:
Primary hyperoxaluria, type II (HP2). Also called: D-GLYCERATE DEHYDROGENASE DEFICIENCY; GLYCERIC ACIDURIA; GLYOXYLATE REDUCTASE/HYDROXYPYRUVATE REDUCTASE DEFICIENCY; OXALOSIS II; Primary hyperoxaluria type 2. Identifiers: Orphanet 416, Orphanet 93599, MedGen C0268165, MONDO:0009824, OMIM 260000. Disease mechanism: loss of function.
GRHPR-related disorder. Also called: GRHPR-related condition.

Allele frequency attached by ClinVar (database versions not stated): ESP Exome Variant Server 0.00015; TOPMed 0.00048; gnomAD exomes 0.00087 and 0.00183; 1000 Genomes Project 30x 0.00125; gnomAD 0.00143 and 0.00151; ExAC 0.00158; 1000 Genomes Project 0.00160.
gnomAD v4.1: 1,474 of 1,612,636 alleles (0.091%); highest among the groups gnomAD compares: East Asian, 1.5%; 15 homozygotes.

Submissions (8):

Labcorp Genetics (formerly Invitae), Labcorp
Classification: Benign. Last evaluated: 2026-01-14. Review status: criteria provided, single submitter. Criteria: Invitae Variant Classification Sherloc (09022015). Collection method: clinical testing. Allele origin: germline.

Women's Health and Genetics/Laboratory Corporation of America, LabCorp
Classification: Likely benign. Last evaluated: 2026-01-08. Review status: criteria provided, single submitter. Criteria: LabCorp Variant Classification Summary - May 2015. Collection method: clinical testing. Allele origin: germline.
Comment: Variant summary: GRHPR c.512G>A (p.Arg171His) results in a non-conservative amino acid change in the encoded protein sequence. Algorithms developed to predict the effect of missense changes on protein structure and function all suggest that this variant is likely to be disruptive. The variant allele was found at a frequency of 0.0018 in 251458 control chromosomes, predominantly at a frequency of 0.011 within the East Asian subpopulation in the gnomAD database, including 2 homozygotes. The observed variant frequency within East Asian control individuals in the gnomAD database exceeds the estimated maximal expected allele frequency for disease-causing variants in GRHPR. c.512G>A has been observed in individuals affected with Primary Hyperoxaluria Type 2 (Cai_2019, Wang_2025). However, these data do not allow any conclusion about variant significance. To our knowledge, no experimental evidence demonstrating an impact on protein function has been reported. The following publications have been ascertained in the context of this evaluation (PMID: 31215412, 40814648). ClinVar contains an entry for this variant (Variation ID: 366856). Based on the evidence outlined above, the variant was classified as likely benign.

Blueprint Genetics
Classification: Likely benign. Last evaluated: 2024-09-03. Review status: criteria provided, single submitter. Criteria: ACMG Guidelines, 2015. Collection method: clinical testing. Allele origin: germline.

Illumina Laboratory Services, Illumina
Classification: Likely benign for Primary hyperoxaluria, type II. Last evaluated: 2018-01-13. Review status: criteria provided, single submitter. Criteria: ICSL Variant Classification Criteria 13 December 2019. Collection method: clinical testing. Allele origin: germline.
Comment: This variant was observed in the ICSL laboratory as part of a predisposition screen in an ostensibly healthy population. It had not been previously curated by ICSL or reported in the Human Gene Mutation Database (HGMD: prior to June 1st, 2018), and was therefore a candidate for classification through an automated scoring system. Utilizing variant allele frequency, disease prevalence and penetrance estimates, and inheritance mode, an automated score was calculated to assess if this variant is too frequent to cause the disease. Based on the score and internal cut-off values, a variant classified as likely benign is not then subjected to further curation. The score for this variant resulted in a classification of likely benign for this disease.

Breakthrough Genomics
Classification: Likely benign. Review status: criteria provided, single submitter. Criteria: ACMG Guidelines, 2015. Collection method: not provided. Allele origin: germline. Inheritance: Autosomal recessive inheritance. Affected: yes.

Chinese Inherited Urolithiasis Consortium, The Affiliated Yantai Yuhuangding Hospital of Qingdao University
Classification: Likely pathogenic for Primary hyperoxaluria, type II. Last evaluated: 2024-08-26. Review status: no assertion criteria provided. Collection method: clinical testing. Allele origin: maternal. Affected: yes. Observed: 1 variant allele. Not counted in ClinVar's aggregate classification.

Natera, Inc.
Classification: Benign for Primary hyperoxaluria type II. Last evaluated: 2020-01-17. Review status: no assertion criteria provided. Collection method: clinical testing. Allele origin: germline. Not counted in ClinVar's aggregate classification.

PreventionGenetics, part of Exact Sciences
Classification: Benign for GRHPR-related condition. Last evaluated: 2019-05-06. Review status: no assertion criteria provided. Collection method: clinical testing. Allele origin: germline. Not counted in ClinVar's aggregate classification.
Comment: This variant is classified as benign based on ACMG/AMP sequence variant interpretation guidelines (Richards et al. 2015 PMID: 25741868, with internal and published modifications).

Literature cited by the submitters: PubMed 31215412 (cited by Women's Health and Genetics/Laboratory Corporation of America, LabCorp); PubMed 40814648 (cited by Women's Health and Genetics/Laboratory Corporation of America, LabCorp).